The following is an entry in ClinVar:

NM_001367721.1(CASK):c.524T>C (p.Val175Ala)

Gene: CASK (calcium/calmodulin dependent serine protein kinase; minus strand). Cytogenetic location: Xp11.4.
Variant type: single nucleotide variant.
Coding change: c.524T>C on transcript NM_001367721.1 (MANE Select); coding-DNA position 524, T replaced by C.
Protein change: p.Val175Ala; replaces valine 175 with alanine.
Molecular consequence: missense variant.
Genome position (GRCh38, 1-based): chrX:41,671,436, A>G on the plus strand (T>C on the coding strand, the complement: CASK is on the minus strand). VCF-style: chrX-41671436-A-G. GRCh37 (hg19) VCF-style: chrX-41530689-A-G.
Other names: c.524T>C, p.Val175Ala (NM_001126054.3, NM_001126055.3, NM_001410745.1 and 1 more transcripts); short protein forms V175A.
Identifiers: ClinVar variation 421143 (VCV000421143.12), dbSNP rs781247892, ClinGen allele CA10390371.

ClinVar aggregate classification (germline): Uncertain significance. Review status: criteria provided, multiple submitters, no conflicts (2 of 4 stars). 3 submissions from 3 submitters: Uncertain significance (3). Last evaluated 2024-08-30.

Conditions:
Intellectual disability, CASK-related, X-linked. Identifiers: MedGen CN043158.

Allele frequency attached by ClinVar (database versions not stated): gnomAD exomes below 0.00001 and 0.00001; TOPMed below 0.00001; ExAC 0.00001; gnomAD 0.00001.
gnomAD v4.1: 3 of 1,169,205 alleles (0.00026%); highest among the groups gnomAD compares: Non-Finnish European, 0.00023%; no homozygotes.

Submissions (3):

Labcorp Genetics (formerly Invitae), Labcorp
Classification: Uncertain significance for Intellectual disability, CASK-related, X-linked. Last evaluated: 2024-08-30. Review status: criteria provided, single submitter. Criteria: Invitae Variant Classification Sherloc (09022015). Collection method: clinical testing. Allele origin: germline.
Comment: This sequence change replaces valine, which is neutral and non-polar, with alanine, which is neutral and non-polar, at codon 175 of the CASK protein (p.Val175Ala). This variant is present in population databases (rs781247892, gnomAD 0.004%). This missense change has been observed in individual(s) with CASK-related epilepsy (internal data). ClinVar contains an entry for this variant (Variation ID: 421143). Invitae Evidence Modeling of protein sequence and biophysical properties (such as structural, functional, and spatial information, amino acid conservation, physicochemical variation, residue mobility, and thermodynamic stability) has been performed for this missense variant. However, the output from this modeling did not meet the statistical confidence thresholds required to predict the impact of this variant on CASK protein function. In summary, the available evidence is currently insufficient to determine the role of this variant in disease. Therefore, it has been classified as a Variant of Uncertain Significance.

Women's Health and Genetics/Laboratory Corporation of America, LabCorp
Classification: Uncertain significance. Last evaluated: 2023-07-27. Review status: criteria provided, single submitter. Criteria: LabCorp Variant Classification Summary - May 2015. Collection method: clinical testing. Allele origin: germline.
Comment: Variant summary: CASK c.524T>C (p.Val175Ala) results in a non-conservative amino acid change located in the Protein kinase domain (IPR000719) of the encoded protein sequence. Three of five in-silico tools predict a benign effect of the variant on protein function. The variant allele was found at a frequency of 5.5e-06 in 183193 control chromosomes (gnomAD). The available data on variant occurrences in the general population are insufficient to allow any conclusion about variant significance. To our knowledge, no occurrence of c.524T>C in individuals affected with Syndromic X-Linked Intellectual Disability Najm Type and no experimental evidence demonstrating its impact on protein function have been reported. Two submitters have cited clinical-significance assessments for this variant to ClinVar after 2014. All submitters classified the variant as uncertain significance. Based on the evidence outlined above, the variant was classified as uncertain significance.

GeneDx
Classification: Uncertain significance. Last evaluated: 2016-05-06. Review status: criteria provided, single submitter. Criteria: GeneDx Variant Classification (06012015). Collection method: clinical testing. Allele origin: germline. Affected: yes.
Comment: The V175A variant in the CASK gene has not been reported previously as a pathogenic variant, nor as a benign variant, to our knowledge. This variant was not observed in approximately 6500 individuals of European and African American ancestry in the NHLBI Exome Sequencing Project, indicating it is not a common benign variant in these populations. The V175A variant is a conservative amino acid substitution, which is not likely to impact secondary protein structure as these residues share similar properties. However, this substitution occurs at a position that is conserved across species. In silico analysis is inconsistent in its predictions as to whether or not the variant is damaging to the protein structure/function. We interpret V175A as a variant of uncertain significance.